The following is an entry in ClinVar:

ClinVar aggregate classification (germline): Likely benign (1 of 4 stars; one submission).

Allele frequency attached by ClinVar (database versions not stated): gnomAD exomes 0.00002; ExAC 0.00006.

Submission:

CeGaT Center for Human Genetics Tuebingen
Classification: Likely benign. Last evaluated: 2023-06-01. Review status: criteria provided, single submitter. Criteria: CeGaT Center For Human Genetics Tuebingen Variant Classification Criteria Version 2. Collection method: clinical testing. Allele origin: germline. Affected: yes. Observed: 1 variant allele.
Comment: CCDC22: BP4, BS2

NM_014008.5(CCDC22):c.1635+3G>A

Gene: CCDC22 (CCC complex scaffolding subunit CCDC22; plus strand). Cytogenetic location: Xp11.23.
Variant type: single nucleotide variant.
Coding change: c.1635+3G>A on transcript NM_014008.5 (MANE Select); 3 bases into the intron after coding-DNA position 1635, G replaced by A.
Molecular consequence: intron variant.
Genome position (GRCh38, 1-based): chrX:49,249,265, G>A. VCF-style: chrX-49249265-G-A. GRCh37 (hg19) VCF-style: chrX-49105726-G-A.
Identifiers: ClinVar variation 2660527 (VCV002660527.24), dbSNP rs782647211, ClinGen allele CA10411554.